The following is an entry in ClinVar:

ClinVar aggregate classification (germline): Uncertain significance (1 of 4 stars; one submission).

Submission:

Labcorp Genetics (formerly Invitae), Labcorp
Classification: Uncertain significance. Last evaluated: 2022-01-13. Review status: criteria provided, single submitter. Criteria: Invitae Variant Classification Sherloc (09022015). Collection method: clinical testing. Allele origin: germline.
Comment: This sequence change replaces aspartic acid, which is acidic and polar, with glycine, which is neutral and non-polar, at codon 358 of the RBP3 protein (p.Asp358Gly). This variant is not present in population databases (gnomAD no frequency). This variant has not been reported in the literature in individuals affected with RBP3-related conditions. Algorithms developed to predict the effect of missense changes on protein structure and function are either unavailable or do not agree on the potential impact of this missense change (SIFT: "Deleterious"; PolyPhen-2: "Probably Damaging"; Align-GVGD: "Class C0"). In summary, the available evidence is currently insufficient to determine the role of this variant in disease. Therefore, it has been classified as a Variant of Uncertain Significance.

NM_002900.3(RBP3):c.1073A>G (p.Asp358Gly)

Gene: RBP3 (retinol binding protein 3; plus strand). Cytogenetic location: 10q11.22.
Variant type: single nucleotide variant.
Coding change: c.1073A>G on transcript NM_002900.3 (MANE Select); coding-DNA position 1073, A replaced by G.
Protein change: p.Asp358Gly; replaces aspartic acid 358 with glycine.
Molecular consequence: missense variant.
Genome position (GRCh38, 1-based): chr10:47,349,557, A>G. VCF-style: chr10-47349557-A-G. GRCh37 (hg19) VCF-style: chr10-48389805-T-C.
Other names: short protein forms D358G.
Identifiers: ClinVar variation 2081755 (VCV002081755.1), dbSNP rs2549028257, ClinGen allele CA376668343.